The following is an entry in ClinVar:

ClinVar aggregate classification (germline): Likely benign (1 of 4 stars; one submission).

Allele frequency attached by ClinVar (database versions not stated): gnomAD exomes 0.00029; ExAC 0.01084.

Submission:

CeGaT Center for Human Genetics Tuebingen
Classification: Likely benign. Last evaluated: 2022-12-01. Review status: criteria provided, single submitter. Criteria: CeGaT Center For Human Genetics Tuebingen Variant Classification Criteria Version 2. Collection method: clinical testing. Allele origin: germline. Affected: yes. Observed: 2 variant alleles.
Comment: TRIM16: BP4, BS2

NM_001348119.1(TRIM16):c.812G>C (p.Arg271Thr)

Gene: TRIM16 (tripartite motif containing 16; minus strand). Cytogenetic location: 17p12.
Variant type: single nucleotide variant.
Coding change: c.812G>C on transcript NM_001348119.1 (MANE Select); coding-DNA position 812, G replaced by C.
Protein change: p.Arg271Thr; replaces arginine 271 with threonine.
Molecular consequence: missense variant.
Genome position (GRCh38, 1-based): chr17:15,636,073, C>G on the plus strand (G>C on the coding strand, the complement: TRIM16 is on the minus strand). VCF-style: chr17-15636073-C-G. GRCh37 (hg19) VCF-style: chr17-15539387-C-G.
Other names: c.812G>C, p.Arg271Thr (NM_001348120.1, NM_006470.4); c.422G>C, p.Arg141Thr (NM_001348121.1, NM_001348122.1); c.164G>C, p.Arg55Thr (NM_001348124.1, NM_001348125.1); c.326G>C, p.Arg109Thr (NM_001348126.1); short protein forms R109T, R141T, R271T, R55T.
Identifiers: ClinVar variation 2647499 (VCV002647499.24), dbSNP rs142902437, ClinGen allele CA8405590.